The following is an entry in ClinVar:

NM_007254.4(PNKP):c.1480G>T (p.Gly494Cys)

Gene: PNKP (polynucleotide kinase 3'-phosphatase; minus strand). Cytogenetic location: 19q13.33.
Variant type: single nucleotide variant.
Coding change: c.1480G>T on transcript NM_007254.4 (MANE Select); coding-DNA position 1480, G replaced by T.
Protein change: p.Gly494Cys; replaces glycine 494 with cysteine.
Molecular consequence: missense variant.
Genome position (GRCh38, 1-based): chr19:49,861,334, C>A on the plus strand (G>T on the coding strand, the complement: PNKP is on the minus strand). VCF-style: chr19-49861334-C-A. GRCh37 (hg19) VCF-style: chr19-50364591-C-A.
Other names: short protein forms G494C.
Identifiers: ClinVar variation 947196 (VCV000947196.10), dbSNP rs753976364, ClinGen allele CA406932509.
Genomic context (GRCh38, chr19:49,861,334, plus strand): 5'-GCCGCCCCAGCCTCGGCTCCACCCATAGCCGGAACGGGATCTCCAGGATGGCAGAGAAGC[C>A]TTCAGCCAGCGTTGGGGCCTCGAACTGCTTCCTGGCAGTGGTGGGAACAGTGAGGGACAG-3'
Protein context (NP_009185.2, residues 484-504): KQFEAPTLAE[Gly494Cys]FSAILEIPFR

ClinVar aggregate classification (germline): Uncertain significance (1 of 4 stars; one submission).

Conditions:
Developmental and epileptic encephalopathy, 12 (DEE12). Identifiers: MedGen C3150988, MONDO:0013389, OMIM 613722.

Submission:

Labcorp Genetics (formerly Invitae), Labcorp
Classification: Uncertain significance for Developmental and epileptic encephalopathy, 12. Last evaluated: 2021-04-08. Review status: criteria provided, single submitter. Criteria: Invitae Variant Classification Sherloc (09022015). Collection method: clinical testing. Allele origin: germline.
Comment: This sequence change replaces glycine with cysteine at codon 494 of the PNKP protein (p.Gly494Cys). The glycine residue is highly conserved and there is a large physicochemical difference between glycine and cysteine. In summary, the available evidence is currently insufficient to determine the role of this variant in disease. Therefore, it has been classified as a Variant of Uncertain Significance. Algorithms developed to predict the effect of missense changes on protein structure and function are either unavailable or do not agree on the potential impact of this missense change (SIFT: "Deleterious"; PolyPhen-2: "Probably Damaging"; Align-GVGD: "Class C0"). This variant has not been reported in the literature in individuals with PNKP-related conditions. This variant is not present in population databases (ExAC no frequency).